The following is an entry in ClinVar:

NM_005359.6(SMAD4):c.1308+3_1308+4insTTGATTTGCGTCAGTGTCATCGACAGATGCAGCAGCAGGCGGCTACTGCACAAGCTGC

Gene: SMAD4 (SMAD family member 4; plus strand). Cytogenetic location: 18q21.2.
Variant type: Insertion.
Coding change: c.1308+3_1308+4insTTGATTTGCGTCAGTGTCATCGACAGATGCAGCAGCAGGCGGCTACTGCACAAGCTGC on transcript NM_005359.6 (MANE Select); bases 3 to 4 of the intron after coding-DNA position 1308, TTGATTTGCGTCAGTGTCATCGACAGATGCAGCAGCAGGCGGCTACTGCACAAGCTGC inserted.
Molecular consequence: intron variant.
Genome position: GRCh38: chr18:51,067,190-51,067,191. GRCh37 (hg19): chr18:48,593,560-48,593,561.
Other names: c.1308+3_1308+4insTTGATTTGCGTCAGTGTCATCGACAGATGCAGCAGCAGGCGGCTACTGCACAAGCTGC (NM_001407042.1, NM_001407041.1).
Identifiers: ClinVar variation 3069358 (VCV003069358.2), dbSNP rs780163523, ClinGen allele CA629926719.

ClinVar aggregate classification (germline): Uncertain significance (1 of 4 stars; one submission).

Conditions:
Juvenile polyposis/hereditary hemorrhagic telangiectasia syndrome (JPHT). Also called: Juvenile Polyposis Syndrome / Hereditary Hemorrhagic Telangiectasia (JPS/HHT); JP/HHT SYNDROME; JUVENILE POLYPOSIS WITH HEREDITARY HEMORRHAGIC TELANGIECTASIA; POLYPOSIS, GENERALIZED JUVENILE, WITH PULMONARY ARTERIOVENOUS MALFORMATION; TELANGIECTASIA, HEREDITARY HEMORRHAGIC, WITH JUVENILE POLYPOSIS COLI. Identifiers: Orphanet 2929, MedGen C1832942, MONDO:0008278, OMIM 175050.

Submission:

All of Us Research Program, National Institutes of Health
Classification: Uncertain significance for Juvenile polyposis/hereditary hemorrhagic telangiectasia syndrome. Last evaluated: 2024-03-05. Review status: criteria provided, single submitter. Criteria: ACMG Guidelines, 2015. Collection method: clinical testing. Allele origin: germline. Inheritance: Autosomal dominant inheritance. Observed: 5 variant alleles, 5 heterozygotes.
Comment: This variant inserts 58 nucleotides between the +3 and +4 positions of the splice donor region in intron 10 of the SMAD4 gene. Splice site prediction tools predict that this variant may have a significant impact on RNA splicing, although this prediction has not been confirmed in published RNA studies. This variant has not been reported in individuals affected with hereditary cancer in the literature. This variant has not been identified in the general population by the Genome Aggregation Database (gnomAD). The available evidence is insufficient to determine the role of this variant in disease conclusively. Therefore, this variant is classified as a Variant of Uncertain Significance.

This study involves interpretation of variants in research participants for the purpose of population health screening. Participant phenotype was not available at the time of variant classification. Additional details can be found in publication PMID: 35346344, PMCID: PMC8962531